The following is an entry in ClinVar:

NM_002180.3(IGHMBP2):c.479C>A (p.Ser160Tyr)

Gene: IGHMBP2 (immunoglobulin mu DNA binding protein 2; plus strand). Cytogenetic location: 11q13.3.
Variant type: single nucleotide variant.
Coding change: c.479C>A on transcript NM_002180.3 (MANE Select); coding-DNA position 479, C replaced by A.
Protein change: p.Ser160Tyr; replaces serine 160 with tyrosine.
Molecular consequence: missense variant.
Genome position (GRCh38, 1-based): chr11:68,908,563, C>A. VCF-style: chr11-68908563-C-A. GRCh37 (hg19) VCF-style: chr11-68676031-C-A.
Other names: short protein forms S160Y.
Identifiers: ClinVar variation 858909 (VCV000858909.7), dbSNP rs767665196, ClinGen allele CA6153306.
Genomic context (GRCh38, chr11:68,908,563, plus strand): 5'-GTGTTCTAATTTTAGTTTTCTCCCTTGGCAGAGCCCTGATTGCTCTAAAGAAGTATCATT[C>A]TGGCCCAGCCTCCTCACTCATAGAAGTGCTCTTTGGCAGATCTGCTCCCAGTCCTGCCAG-3'
Protein context (NP_002171.2, residues 150-170): KALIALKKYH[Ser160Tyr]GPASSLIEVL

ClinVar aggregate classification (germline): Uncertain significance (1 of 4 stars; one submission).

Conditions:
Autosomal recessive distal spinal muscular atrophy 1. Also called: HMN VI; NEURONOPATHY, SEVERE INFANTILE AXONAL, WITH RESPIRATORY FAILURE; SEVERE INFANTILE AXONAL NEUROPATHY WITH RESPIRATORY FAILURE; SPINAL MUSCULAR ATROPHY, DIAPHRAGMATIC; Spinal muscular atrophy with respiratory distress 1; NEURONOPATHY, DISTAL HEREDITARY MOTOR, HARDING TYPE VI. Identifiers: Orphanet 98920, MedGen C1858517, MONDO:0011436, OMIM 604320.
Charcot-Marie-Tooth disease axonal type 2S. Also called: CHARCOT-MARIE-TOOTH NEUROPATHY, TYPE 2S; CHARCOT-MARIE-TOOTH DISEASE, AXONAL, AUTOSOMAL RECESSIVE, TYPE 2S. Identifiers: Orphanet 443073, MedGen C4015349, MONDO:0014511, OMIM 616155.

Allele frequency attached by ClinVar (database versions not stated): gnomAD exomes below 0.00001; gnomAD 0.00001; TOPMed 0.00001; ExAC 0.00002.
gnomAD v4.1: 3 of 1,613,900 alleles (0.00019%); highest among the groups gnomAD compares: East Asian, 0.0067%; no homozygotes.

Submission:

Labcorp Genetics (formerly Invitae), Labcorp
Classification: Uncertain significance for Autosomal recessive distal spinal muscular atrophy 1; Charcot-Marie-Tooth disease axonal type 2S. Last evaluated: 2021-09-02. Review status: criteria provided, single submitter. Criteria: Invitae Variant Classification Sherloc (09022015). Collection method: clinical testing. Allele origin: germline.
Comment: This sequence change replaces serine with tyrosine at codon 160 of the IGHMBP2 protein (p.Ser160Tyr). The serine residue is moderately conserved and there is a large physicochemical difference between serine and tyrosine. This variant is present in population databases (rs767665196, ExAC 0.03%). This variant has not been reported in the literature in individuals affected with IGHMBP2-related conditions. Algorithms developed to predict the effect of missense changes on protein structure and function are either unavailable or do not agree on the potential impact of this missense change (SIFT: "Deleterious"; PolyPhen-2: "Benign"; Align-GVGD: "Class C0"). In summary, the available evidence is currently insufficient to determine the role of this variant in disease. Therefore, it has been classified as a Variant of Uncertain Significance.